The following is an entry in ClinVar:

NM_030773.4(TUBB1):c.919C>T (p.Arg307Cys)

Gene: TUBB1 (tubulin beta 1 class VI; plus strand). Cytogenetic location: 20q13.32.
Variant type: single nucleotide variant.
Coding change: c.919C>T on transcript NM_030773.4 (MANE Select); coding-DNA position 919, C replaced by T.
Protein change: p.Arg307Cys; replaces arginine 307 with cysteine.
Molecular consequence: missense variant.
Genome position (GRCh38, 1-based): chr20:59,024,346, C>T. VCF-style: chr20-59024346-C-T. GRCh37 (hg19) VCF-style: chr20-57599401-C-T.
Other names: p.Arg307Cys; short protein forms R307C.
Identifiers: ClinVar variation 769473 (VCV000769473.12), dbSNP rs62639974, ClinGen allele CA9928617.

ClinVar aggregate classification (germline): Benign/Likely benign. Review status: criteria provided, multiple submitters, no conflicts (2 of 4 stars). 4 submissions from 4 submitters: Benign (2); Likely benign (2). Last evaluated 2026-01-27.

Allele frequency attached by ClinVar (database versions not stated): gnomAD exomes 0.00227 and 0.00420; ExAC 0.00443; ESP Exome Variant Server 0.00861; gnomAD 0.00942 and 0.00982; TOPMed 0.01079; 1000 Genomes Project 0.01118; 1000 Genomes Project 30x 0.01156.

Submissions (4):

Labcorp Genetics (formerly Invitae), Labcorp
Classification: Benign. Last evaluated: 2026-01-27. Review status: criteria provided, single submitter. Criteria: Invitae Variant Classification Sherloc (09022015). Collection method: clinical testing. Allele origin: germline.

Mayo Clinic Laboratories, Mayo Clinic
Classification: Likely benign. Last evaluated: 2025-01-29. Review status: criteria provided, single submitter. Criteria: ACMG Guidelines, 2015. Collection method: clinical testing. Allele origin: germline. Observed: 9 variant alleles.
Comment: BS1, BS2, PM1_supporting

Blueprint Genetics
Classification: Likely benign. Last evaluated: 2024-11-28. Review status: criteria provided, single submitter. Criteria: ACMG Guidelines, 2015. Collection method: clinical testing. Allele origin: germline.

Breakthrough Genomics
Classification: Benign. Review status: criteria provided, single submitter. Criteria: ACMG Guidelines, 2015. Collection method: not provided. Allele origin: germline. Inheritance: Autosomal dominant inheritance. Affected: yes.